The following is an entry in ClinVar:

NM_021813.4(BACH2):c.1189G>C (p.Val397Leu)

Gene: BACH2 (BACH transcriptional regulator 2; minus strand). Cytogenetic location: 6q15.
Variant type: single nucleotide variant.
Coding change: c.1189G>C on transcript NM_021813.4 (MANE Select); coding-DNA position 1189, G replaced by C.
Protein change: p.Val397Leu; replaces valine 397 with leucine.
Molecular consequence: missense variant.
Genome position (GRCh38, 1-based): chr6:89,950,917, C>G on the plus strand (G>C on the coding strand, the complement: BACH2 is on the minus strand). VCF-style: chr6-89950917-C-G. GRCh37 (hg19) VCF-style: chr6-90660636-C-G.
Other names: c.1189G>C, p.Val397Leu (NM_001170794.2); c.1189G>C (NM_021813.2); short protein forms V397L.
Identifiers: ClinVar variation 2174440 (VCV002174440.19), dbSNP rs201928231, ClinGen allele CA3928038.

ClinVar aggregate classification (germline): Conflicting classifications of pathogenicity. Review status: criteria provided, conflicting classifications (1 of 4 stars). 3 submissions from 3 submitters: Uncertain significance (2); Likely benign (1). Last evaluated 2025-09-23.

Allele frequency attached by ClinVar (database versions not stated): TOPMed 0.00015; 1000 Genomes Project 30x 0.00016; 1000 Genomes Project 0.00020.
gnomAD v4.1: 33 of 1,587,218 alleles (0.0021%); highest among the groups gnomAD compares: African/African-American, 0.036%; no homozygotes.

Submissions (3):

Labcorp Genetics (formerly Invitae), Labcorp
Classification: Uncertain significance. Last evaluated: 2025-09-23. Review status: criteria provided, single submitter. Criteria: Invitae Variant Classification Sherloc (09022015). Collection method: clinical testing. Allele origin: germline.
Comment: This sequence change replaces valine, which is neutral and non-polar, with leucine, which is neutral and non-polar, at codon 397 of the BACH2 protein (p.Val397Leu). This variant is present in population databases (rs201928231, gnomAD 0.05%), and has an allele count higher than expected for a pathogenic variant. This variant has not been reported in the literature in individuals affected with BACH2-related conditions. ClinVar contains an entry for this variant (Variation ID: 2174440). Invitae Evidence Modeling of protein sequence and biophysical properties (such as structural, functional, and spatial information, amino acid conservation, physicochemical variation, residue mobility, and thermodynamic stability) indicates that this missense variant is not expected to disrupt BACH2 protein function with a negative predictive value of 80%. In summary, the available evidence is currently insufficient to determine the role of this variant in disease. Therefore, it has been classified as a Variant of Uncertain Significance.

CeGaT Center for Human Genetics Tuebingen
Classification: Likely benign. Last evaluated: 2024-11-01. Review status: criteria provided, single submitter. Criteria: CeGaT Center For Human Genetics Tuebingen Variant Classification Criteria Version 2. Collection method: clinical testing. Allele origin: germline. Affected: yes. Observed: 1 variant allele.
Comment: BACH2: BP4

Ambry Genetics
Classification: Uncertain significance. Last evaluated: 2024-04-15. Review status: criteria provided, single submitter. Criteria: Ambry Variant Classification Scheme 2023. Collection method: clinical testing. Allele origin: germline.